The following is an entry in ClinVar:

NM_182961.4(SYNE1):c.15049C>T (p.Gln5017Ter)

Gene: SYNE1 (spectrin repeat containing nuclear envelope protein 1; minus strand). Cytogenetic location: 6q25.2.
Variant type: single nucleotide variant.
Coding change: c.15049C>T on transcript NM_182961.4 (MANE Select); coding-DNA position 15049, C replaced by T.
Protein change: p.Gln5017Ter; replaces glutamine 5017 with a stop codon.
Molecular consequence: nonsense.
Genome position (GRCh38, 1-based): chr6:152,326,540, G>A on the plus strand (C>T on the coding strand, the complement: SYNE1 is on the minus strand). VCF-style: chr6-152326540-G-A. GRCh37 (hg19) VCF-style: chr6-152647675-G-A.
Other names: c.14836C>T, p.Gln4946Ter (NM_033071.5); c.14836C>T (NM_033071.3); short protein forms Q4946*, Q5017*.
Identifiers: ClinVar variation 1027458 (VCV001027458.2), dbSNP rs1563088209, ClinGen allele CA366093835.

ClinVar aggregate classification (germline): Pathogenic. Review status: criteria provided, single submitter (1 of 4 stars). 2 submissions from 2 submitters: Pathogenic (1). 1 of the submissions does not count toward it. Last evaluated 2021-01-04.

Conditions:
SYNE1-related disorder. Also called: SYNE1-related disorders; SYNE1-related disease; SYNE1-related condition.
Autosomal recessive ataxia, Beauce type. Also called: ATAXIA, RECESSIVE, OF BEAUCE; Spinocerebellar ataxia, autosomal recessive 8; SYNE1-Related Autosomal Recessive Cerebellar Ataxia; SYNE1 Deficiency. Identifiers: Orphanet 88644, MedGen C1853116, MONDO:0012549, OMIM 610743.

Submissions (2):

Molecular Medicine for Neurodegenerative and Neuromuscular Diseases Unit, IRCCS Fondazione Stella Maris
Classification: Pathogenic for Autosomal recessive ataxia, Beauce type. Last evaluated: 2021-01-04. Review status: criteria provided, single submitter. Criteria: ACMG Guidelines, 2015. Collection method: research. Allele origin: inherited. Affected: yes.

PreventionGenetics, part of Exact Sciences
Classification: Pathogenic for SYNE1-related condition. Last evaluated: 2024-07-09. Review status: no assertion criteria provided. Collection method: clinical testing. Allele origin: germline. Not counted in ClinVar's aggregate classification.
Comment: The SYNE1 c.14836C>T variant is predicted to result in premature protein termination (p.Gln4946*). This variant can also be designated c.15049C>T (p.Gln5017*) using transcript NM_182961.3. This variant has been reported in the homozygous state an individual with ataxia (Galatolo et al. 2021. PubMed ID: 34445196). This variant has not been reported in a large population database, indicating this variant is rare. Nonsense variants in SYNE1 are expected to be pathogenic. This variant is interpreted as pathogenic.